The following is an entry in ClinVar:

NM_006904.7(PRKDC):c.7061A>G (p.Asn2354Ser)

Gene: PRKDC (protein kinase, DNA-activated, catalytic subunit; minus strand). Cytogenetic location: 8q11.21.
Variant type: single nucleotide variant.
Coding change: c.7061A>G on transcript NM_006904.7 (MANE Select); coding-DNA position 7061, A replaced by G.
Protein change: p.Asn2354Ser; replaces asparagine 2354 with serine.
Molecular consequence: missense variant.
Genome position (GRCh38, 1-based): chr8:47,849,448, T>C on the plus strand (A>G on the coding strand, the complement: PRKDC is on the minus strand). VCF-style: chr8-47849448-T-C. GRCh37 (hg19) VCF-style: chr8-48762009-T-C.
Other names: c.7061A>G, p.Asn2354Ser (NM_001081640.2); short protein forms N2354S.
Identifiers: ClinVar variation 1057476 (VCV001057476.7), dbSNP rs2154500207, ClinGen allele CA371157944.

ClinVar aggregate classification (germline): Uncertain significance (1 of 4 stars; one submission).

Conditions:
Severe combined immunodeficiency due to DNA-PKcs deficiency. Also called: Immunodeficiency 26 with or without neurologic abnormalities; IMMUNODEFICIENCY 26 WITH NEUROLOGIC ABNORMALITIES. Identifiers: Orphanet 317425, MedGen C4014833, MONDO:0014423, OMIM 615966.

gnomAD v4.1: 3 of 1,614,048 alleles (0.00019%); highest among the groups gnomAD compares: Non-Finnish European, 0.00017%; no homozygotes.

Submission:

Labcorp Genetics (formerly Invitae), Labcorp
Classification: Uncertain significance for Severe combined immunodeficiency due to DNA-PKcs deficiency. Last evaluated: 2020-08-11. Review status: criteria provided, single submitter. Criteria: Invitae Variant Classification Sherloc (09022015). Collection method: clinical testing. Allele origin: germline.
Comment: This variant is not present in population databases (ExAC no frequency). This variant has not been reported in the literature in individuals with PRKDC-related conditions. Experimental studies and prediction algorithms are not available or were not evaluated, and the functional significance of this variant is currently unknown. In summary, the available evidence is currently insufficient to determine the role of this variant in disease. Therefore, it has been classified as a Variant of Uncertain Significance. This sequence change replaces asparagine with serine at codon 2354 of the PRKDC protein (p.Asn2354Ser). The asparagine residue is moderately conserved and there is a small physicochemical difference between asparagine and serine.